The following is an entry in ClinVar:

ClinVar aggregate classification (germline): Pathogenic. Review status: criteria provided, multiple submitters, no conflicts (2 of 4 stars). 2 submissions from 2 submitters: Pathogenic (2). Last evaluated 2023-12-11.

Conditions:
Cardiovascular phenotype. Identifiers: MedGen CN230736.
Arrhythmogenic cardiomyopathy with wooly hair and keratoderma. Also called: PALMOPLANTAR KERATODERMA WITH LEFT VENTRICULAR CARDIOMYOPATHY AND WOOLLY HAIR; Carvajal syndrome; Dilated cardiomyopathy with woolly hair and keratoderma; Arrhythmogenic cardiomyopathy with woolly hair and keratoderma. Identifiers: Orphanet 65282, MedGen C1854063, MONDO:0011581, OMIM 605676.
Arrhythmogenic right ventricular dysplasia 8 (ARVD8). Also called: ARRHYTHMOGENIC RIGHT VENTRICULAR DYSPLASIA, FAMILIAL, 8; Arrhythmogenic Right Ventricular Dysplasia/Cardiomyopathy 8; ARRHYTHMOGENIC RIGHT VENTRICULAR CARDIOMYOPATHY 8. Identifiers: MedGen C1843896, MONDO:0011831, OMIM 607450.

Submissions (2):

Labcorp Genetics (formerly Invitae), Labcorp
Classification: Pathogenic for Arrhythmogenic cardiomyopathy with wooly hair and keratoderma; Arrhythmogenic right ventricular dysplasia 8. Last evaluated: 2023-12-11. Review status: criteria provided, single submitter. Criteria: Invitae Variant Classification Sherloc (09022015). Collection method: clinical testing. Allele origin: germline.
Comment: This sequence change creates a premature translational stop signal (p.Leu784*) in the DSP gene. It is expected to result in an absent or disrupted protein product. Loss-of-function variants in DSP are known to be pathogenic (PMID: 20716751, 24503780, 25227139). This variant is not present in population databases (gnomAD no frequency). This variant has not been reported in the literature in individuals affected with DSP-related conditions. ClinVar contains an entry for this variant (Variation ID: 1452703). For these reasons, this variant has been classified as Pathogenic.

Ambry Genetics
Classification: Pathogenic for Cardiovascular phenotype. Last evaluated: 2022-11-03. Review status: criteria provided, single submitter. Criteria: Ambry Variant Classification Scheme 2023. Collection method: clinical testing. Allele origin: germline.
Comment: The p.L784* pathogenic mutation (also known as c.2351T>A), located in coding exon 17 of the DSP gene, results from a T to A substitution at nucleotide position 2351. This changes the amino acid from a leucine to a stop codon within coding exon 17. This variant is considered to be rare based on population cohorts in the Genome Aggregation Database (gnomAD). Alterations in DSP that result in haploinsufficiency or protein truncation have been reported in patients with arrhythmogenic right ventricular cardiomyopathy (ARVC) and dilated cardiomyopathy (DCM) (Fressart V et al. Europace. 2010;12(6):861-8; Elliott P et al. Circ Cardiovasc Genet. 2010;3(4):314-22; Quarta G et al. Circulation. 2011;123(23):2701-9; Garcia-Pavia P et al. Heart. 2011;97(21):1744-52; Rasmussen TB et al. Clin Genet. 2013;84(1):20-30; Pugh TJ et al. Genet Med. 2014;16(8):601-8). This alteration is expected to result in loss of function by premature protein truncation or nonsense-mediated mRNA decay. As such, this alteration is interpreted as a disease-causing mutation.

Literature cited by the submitters: PubMed 20716751 (cited by Labcorp Genetics (formerly Invitae), Labcorp); PubMed 24503780 (cited by Labcorp Genetics (formerly Invitae), Labcorp); PubMed 25227139 (cited by Labcorp Genetics (formerly Invitae), Labcorp).

NM_004415.4(DSP):c.2351T>A (p.Leu784Ter)

Gene: DSP (desmoplakin; plus strand). Cytogenetic location: 6p24.3.
Variant type: single nucleotide variant.
Coding change: c.2351T>A on transcript NM_004415.4 (MANE Select); coding-DNA position 2351, T replaced by A.
Protein change: p.Leu784Ter; replaces leucine 784 with a stop codon.
Molecular consequence: nonsense.
Genome position (GRCh38, 1-based): chr6:7,574,710, T>A. VCF-style: chr6-7574710-T-A. GRCh37 (hg19) VCF-style: chr6-7574943-T-A.
Other names: c.2351T>A (NM_004415.2); c.2351T>A, p.Leu784Ter (NM_001008844.3, NM_001319034.2); short protein forms L784*.
Identifiers: ClinVar variation 1452703 (VCV001452703.7), dbSNP rs2113684096, ClinGen allele CA362681131.